The following is an entry in ClinVar:

NM_001184.4(ATR):c.4940G>T (p.Arg1647Leu)

Gene: ATR (ATR checkpoint kinase; minus strand). Cytogenetic location: 3q23.
Variant type: single nucleotide variant.
Coding change: c.4940G>T on transcript NM_001184.4 (MANE Select); coding-DNA position 4940, G replaced by T.
Protein change: p.Arg1647Leu; replaces arginine 1647 with leucine.
Molecular consequence: missense variant.
Genome position (GRCh38, 1-based): chr3:142,508,022, C>A on the plus strand (G>T on the coding strand, the complement: ATR is on the minus strand). VCF-style: chr3-142508022-C-A. GRCh37 (hg19) VCF-style: chr3-142226864-C-A.
Other names: c.4748G>T, p.Arg1583Leu (NM_001354579.2); short protein forms R1583L, R1647L.
Identifiers: ClinVar variation 1744278 (VCV001744278.2), dbSNP rs758322712, ClinGen allele CA84768652.

ClinVar aggregate classification (germline): Uncertain significance (1 of 4 stars; one submission).

Conditions:
Inborn genetic diseases. Identifiers: MedGen C0950123, MeSH D030342.

Submission:

Ambry Genetics
Classification: Uncertain significance for Inborn genetic diseases. Last evaluated: 2022-07-25. Review status: criteria provided, single submitter. Criteria: Ambry Variant Classification Scheme 2023. Collection method: clinical testing. Allele origin: germline.
Comment: The p.R1647L variant (also known as c.4940G>T), located in coding exon 28 of the ATR gene, results from a G to T substitution at nucleotide position 4940. The arginine at codon 1647 is replaced by leucine, an amino acid with dissimilar properties. This amino acid position is conserved. In addition, the in silico prediction for this alteration is inconclusive. Since supporting evidence is limited at this time, the clinical significance of this alteration remains unclear.